The following is an entry in ClinVar:

ClinVar aggregate classification (germline): Uncertain significance (1 of 4 stars; one submission).

Conditions:
Adams-Oliver syndrome 5 (AOS5). Identifiers: Orphanet 974, MedGen C4014970, MONDO:0014459, OMIM 616028.

gnomAD v4.1: 3 of 1,611,268 alleles (0.00019%); highest among the groups gnomAD compares: Non-Finnish European, 0.00025%; no homozygotes.

Submission:

Labcorp Genetics (formerly Invitae), Labcorp
Classification: Uncertain significance for Adams-Oliver syndrome 5. Last evaluated: 2022-07-11. Review status: criteria provided, single submitter. Criteria: Invitae Variant Classification Sherloc (09022015). Collection method: clinical testing. Allele origin: germline.
Comment: In summary, the available evidence is currently insufficient to determine the role of this variant in disease. Therefore, it has been classified as a Variant of Uncertain Significance. Advanced modeling of protein sequence and biophysical properties (such as structural, functional, and spatial information, amino acid conservation, physicochemical variation, residue mobility, and thermodynamic stability) performed at Invitae indicates that this missense variant is not expected to disrupt NOTCH1 protein function. This variant has not been reported in the literature in individuals affected with NOTCH1-related conditions. This variant is not present in population databases (gnomAD no frequency). This sequence change replaces alanine, which is neutral and non-polar, with serine, which is neutral and polar, at codon 1936 of the NOTCH1 protein (p.Ala1936Ser).

NM_017617.5(NOTCH1):c.5806G>T (p.Ala1936Ser)

Gene: NOTCH1 (notch receptor 1; minus strand). Cytogenetic location: 9q34.3.
Variant type: single nucleotide variant.
Coding change: c.5806G>T on transcript NM_017617.5 (MANE Select); coding-DNA position 5806, G replaced by T.
Protein change: p.Ala1936Ser; replaces alanine 1936 with serine.
Molecular consequence: missense variant.
Genome position (GRCh38, 1-based): chr9:136,500,680, C>A on the plus strand (G>T on the coding strand, the complement: NOTCH1 is on the minus strand). VCF-style: chr9-136500680-C-A. GRCh37 (hg19) VCF-style: chr9-139395132-C-A.
Other names: short protein forms A1936S.
Identifiers: ClinVar variation 2016183 (VCV002016183.4), dbSNP rs997320046, ClinGen allele CA201638523.